The following is an entry in ClinVar:

NM_000038.6(APC):c.5898T>G (p.Asn1966Lys)

Gene: APC (APC regulator of Wnt signaling pathway; plus strand). Cytogenetic location: 5q22.2.
Variant type: single nucleotide variant.
Coding change: c.5898T>G on transcript NM_000038.6 (MANE Select); coding-DNA position 5898, T replaced by G.
Protein change: p.Asn1966Lys; replaces asparagine 1966 with lysine.
Molecular consequence: missense variant.
Genome position (GRCh38, 1-based): chr5:112,841,492, T>G. VCF-style: chr5-112841492-T-G. GRCh37 (hg19) VCF-style: chr5-112177189-T-G.
Other names: c.5952T>G, p.Asn1984Lys (NM_001407448.1, NM_001407449.1, NM_001354896.2 and 1 more transcripts); c.5898T>G, p.Asn1966Lys (NM_001407450.1, NM_001127510.3, NM_001354895.2); c.5877T>G, p.Asn1959Lys (NM_001407451.1); c.5868T>G, p.Asn1956Lys (NM_001407452.1); c.5844T>G, p.Asn1948Lys (NM_001127511.3); c.5928T>G, p.Asn1976Lys (NM_001354897.2); c.5823T>G, p.Asn1941Lys (NM_001354898.2); c.5814T>G, p.Asn1938Lys (NM_001354899.2); and 11 more; short protein forms N1683K, N1806K, N1837K, N1840K, N1907K, N1925K, N1938K, N1582K.
Identifiers: ClinVar variation 1750344 (VCV001750344.6), dbSNP rs2149952075, ClinGen allele CA16034239.

ClinVar aggregate classification (germline): Uncertain significance. Review status: criteria provided, multiple submitters, no conflicts (2 of 4 stars). 2 submissions from 2 submitters: Uncertain significance (2). Last evaluated 2025-09-14.

Conditions:
Hereditary cancer-predisposing syndrome. Also called: Hereditary Cancer Syndrome; Hereditary neoplastic syndrome; Neoplastic Syndromes, Hereditary; Tumor predisposition. Identifiers: Orphanet 140162, MedGen C0027672, MeSH D009386, MONDO:0015356.
Familial adenomatous polyposis 1 (FAP1). Also called: FAMILIAL ADENOMATOUS POLYPOSIS 1, ATTENUATED; POLYPOSIS, ADENOMATOUS INTESTINAL. Identifiers: MedGen C2713442, MONDO:0021056, OMIM 175100. Disease mechanism: loss of function.

gnomAD v4.1: 1 of 1,613,534 alleles (0.000062%); no homozygotes.

Submissions (2):

Labcorp Genetics (formerly Invitae), Labcorp
Classification: Uncertain significance for Familial adenomatous polyposis 1. Last evaluated: 2025-09-14. Review status: criteria provided, single submitter. Criteria: Invitae Variant Classification Sherloc (09022015). Collection method: clinical testing. Allele origin: germline.
Comment: This sequence change replaces asparagine, which is neutral and polar, with lysine, which is basic and polar, at codon 1966 of the APC protein (p.Asn1966Lys). This variant is not present in population databases (gnomAD no frequency). This variant has not been reported in the literature in individuals affected with APC-related conditions. ClinVar contains an entry for this variant (Variation ID: 1750344). Invitae Evidence Modeling of protein sequence and biophysical properties (such as structural, functional, and spatial information, amino acid conservation, physicochemical variation, residue mobility, and thermodynamic stability) indicates that this missense variant is not expected to disrupt APC protein function with a negative predictive value of 95%. In summary, the available evidence is currently insufficient to determine the role of this variant in disease. Therefore, it has been classified as a Variant of Uncertain Significance.

Ambry Genetics
Classification: Uncertain significance for Hereditary cancer-predisposing syndrome. Last evaluated: 2025-06-07. Review status: criteria provided, single submitter. Criteria: Ambry Variant Classification Scheme 2023. Collection method: clinical testing. Allele origin: germline.
Comment: The p.N1966K variant (also known as c.5898T>G), located in coding exon 15 of the APC gene, results from a T to G substitution at nucleotide position 5898. The asparagine at codon 1966 is replaced by lysine, an amino acid with similar properties. This amino acid position is highly conserved in available vertebrate species. In addition, in silico predictors for this gene do not accurately predict pathogenicity. Since supporting evidence is limited at this time, the clinical significance of this alteration remains unclear.